The following is an entry in ClinVar:

NM_183357.3(ADCY5):c.226G>C (p.Asp76His)

Gene: ADCY5 (adenylate cyclase 5; minus strand). Cytogenetic location: 3q21.1.
Variant type: single nucleotide variant.
Coding change: c.226G>C on transcript NM_183357.3 (MANE Select); coding-DNA position 226, G replaced by C.
Protein change: p.Asp76His; replaces aspartic acid 76 with histidine.
Molecular consequence: missense variant.
Genome position (GRCh38, 1-based): chr3:123,448,320, C>G on the plus strand (G>C on the coding strand, the complement: ADCY5 is on the minus strand). VCF-style: chr3-123448320-C-G. GRCh37 (hg19) VCF-style: chr3-123167167-C-G.
Other names: c.226G>C (NM_183357.2); c.226G>C, p.Asp76His (NM_001378259.1); short protein forms D76H.
Identifiers: ClinVar variation 2017579 (VCV002017579.6), dbSNP rs753975649, ClinGen allele CA2577721.

ClinVar aggregate classification (germline): Conflicting classifications of pathogenicity. Review status: criteria provided, conflicting classifications (1 of 4 stars). 3 submissions from 3 submitters: Uncertain significance (2); Likely benign (1). Last evaluated 2026-01-15.

Conditions:
Inborn genetic diseases. Identifiers: MedGen C0950123, MeSH D030342.

Allele frequency attached by ClinVar (database versions not stated): gnomAD 0.00013; ExAC 0.00004; 1000 Genomes Project 30x 0.00016; TOPMed 0.00028.
gnomAD v4.1: 42 of 1,537,406 alleles (0.0027%); highest among the groups gnomAD compares: Admixed American, 0.068%; no homozygotes.

Submissions (3):

Labcorp Genetics (formerly Invitae), Labcorp
Classification: Likely benign. Last evaluated: 2026-01-15. Review status: criteria provided, single submitter. Criteria: Invitae Variant Classification Sherloc (09022015). Collection method: clinical testing. Allele origin: germline.

GeneDx
Classification: Uncertain significance. Last evaluated: 2025-02-15. Review status: criteria provided, single submitter. Criteria: GeneDx Variant Classification Process June 2021. Collection method: clinical testing. Allele origin: germline. Affected: yes.
Comment: Has not been previously published as pathogenic or benign to our knowledge; In silico analysis indicates that this missense variant does not alter protein structure/function

Ambry Genetics
Classification: Uncertain significance for Inborn genetic diseases. Last evaluated: 2022-05-25. Review status: criteria provided, single submitter. Criteria: Ambry Variant Classification Scheme 2023. Collection method: clinical testing. Allele origin: germline.